The following is an entry in ClinVar:

ClinVar aggregate classification (germline): Uncertain significance (1 of 4 stars; one submission).

Conditions:
Hereditary cancer-predisposing syndrome. Also called: Neoplastic Syndromes, Hereditary; Tumor predisposition; Hereditary neoplastic syndrome; Hereditary Cancer Syndrome. Identifiers: Orphanet 140162, MedGen C0027672, MeSH D009386, MONDO:0015356.

Submission:

Labcorp Genetics (formerly Invitae), Labcorp
Classification: Uncertain significance for Hereditary cancer-predisposing syndrome. Last evaluated: 2020-11-21. Review status: criteria provided, single submitter. Criteria: Invitae Variant Classification Sherloc (09022015). Collection method: clinical testing. Allele origin: germline.
Comment: In summary, the available evidence is currently insufficient to determine the role of this variant in disease. Therefore, it has been classified as a Variant of Uncertain Significance. Algorithms developed to predict the effect of missense changes on protein structure and function (SIFT, PolyPhen-2, Align-GVGD) all suggest that this variant is likely to be tolerated, but these predictions have not been confirmed by published functional studies and their clinical significance is uncertain. This variant has not been reported in the literature in individuals with RAD50-related disease. This variant is not present in population databases (ExAC no frequency). This sequence change replaces glutamic acid with lysine at codon 431 of the RAD50 protein (p.Glu431Lys). The glutamic acid residue is moderately conserved and there is a small physicochemical difference between glutamic acid and lysine.

NM_005732.4(RAD50):c.1291G>A (p.Glu431Lys)

Gene: RAD50 (RAD50 double strand break repair protein; plus strand). Cytogenetic location: 5q31.1.
Variant type: single nucleotide variant.
Coding change: c.1291G>A on transcript NM_005732.4 (MANE Select); coding-DNA position 1291, G replaced by A.
Protein change: p.Glu431Lys; replaces glutamic acid 431 with lysine.
Molecular consequence: missense variant.
Genome position (GRCh38, 1-based): chr5:132,589,676, G>A. VCF-style: chr5-132589676-G-A. GRCh37 (hg19) VCF-style: chr5-131925368-G-A.
Other names: short protein forms E431K.
Identifiers: ClinVar variation 566226 (VCV000566226.11), dbSNP rs1561640018, ClinGen allele CA360943688.